The following is an entry in ClinVar:

NM_000170.3(GLDC):c.1261+5G>A

Gene: GLDC (glycine decarboxylase; minus strand). Cytogenetic location: 9p24.1.
Variant type: single nucleotide variant.
Coding change: c.1261+5G>A on transcript NM_000170.3 (MANE Select); 5 bases into the intron after coding-DNA position 1261, G replaced by A.
Molecular consequence: intron variant.
Genome position (GRCh38, 1-based): chr9:6,595,009, C>T on the plus strand (G>A on the coding strand, the complement: GLDC is on the minus strand). VCF-style: chr9-6595009-C-T. GRCh37 (hg19) VCF-style: chr9-6595009-C-T.
Identifiers: ClinVar variation 2850933 (VCV002850933.3), dbSNP rs1563852440, ClinGen allele CA645544579.

ClinVar aggregate classification (germline): Uncertain significance (1 of 4 stars; one submission).

Conditions:
Glycine encephalopathy. Also called: Nonketotic hyperglycinemia; Non-ketotic hyperglycinemia. Identifiers: Orphanet 407, MedGen C0751748, MONDO:0011612, HP:0008288.

Submission:

Labcorp Genetics (formerly Invitae), Labcorp
Classification: Uncertain significance for Glycine encephalopathy. Last evaluated: 2023-03-30. Review status: criteria provided, single submitter. Criteria: Invitae Variant Classification Sherloc (09022015). Collection method: clinical testing. Allele origin: germline.
Comment: This sequence change falls in intron 9 of the GLDC gene. It does not directly change the encoded amino acid sequence of the GLDC protein. It affects a nucleotide within the consensus splice site. This variant is not present in population databases (gnomAD no frequency). This variant has not been reported in the literature in individuals affected with GLDC-related conditions. Variants that disrupt the consensus splice site are a relatively common cause of aberrant splicing (PMID: 17576681, 9536098). Algorithms developed to predict the effect of sequence changes on RNA splicing suggest that this variant may disrupt the consensus splice site. In summary, the available evidence is currently insufficient to determine the role of this variant in disease. Therefore, it has been classified as a Variant of Uncertain Significance.

Literature cited by the submitters: PubMed 17576681; PubMed 9536098.